The following is an entry in ClinVar:

NM_004006.3(DMD):c.7006C>A (p.Gln2336Lys)

Gene: DMD (dystrophin; minus strand). Cytogenetic location: Xp21.1.
Variant type: single nucleotide variant.
Coding change: c.7006C>A on transcript NM_004006.3 (MANE Select); coding-DNA position 7006, C replaced by A.
Protein change: p.Gln2336Lys; replaces glutamine 2336 with lysine.
Molecular consequence: missense variant. On other transcripts: 5 prime UTR variant (5).
Genome position (GRCh38, 1-based): chrX:31,875,280, G>T on the plus strand (C>A on the coding strand, the complement: DMD is on the minus strand). VCF-style: chrX-31875280-G-T. GRCh37 (hg19) VCF-style: chrX-31893397-G-T.
Other names: c.6982C>A, p.Gln2328Lys (NM_000109.4); c.6994C>A, p.Gln2332Lys (NM_004009.3); c.6637C>A, p.Gln2213Lys (NM_004010.3); c.2983C>A, p.Gln995Lys (NM_004011.4); c.2974C>A, p.Gln992Lys (NM_004012.4); c.-375C>A (NM_004013.3, NM_004020.4, NM_004021.3 and 2 more transcripts); short protein forms Q2213K, Q2328K, Q2332K, Q2336K, Q992K, Q995K.
Identifiers: ClinVar variation 1219133 (VCV001219133.10), dbSNP rs2149680307, ClinGen allele CA412660064.
Genomic context (GRCh38, chrX:31,875,280, plus strand): 5'-GGTTATAAATTTCCAACTGATTCCTAATAGGAGATAACCACAGCAGCAGATGATTTAACT[G>T]CTCTTCAAGGTCTTCAAGCTTTTTTTCAAGCTGCCCAAGGTCTTTTATTTGAGCTTCAAT-3'
Protein context (NP_003997.2, residues 2326-2346): LEKKLEDLEE[Gln2336Lys]LNHLLLWLSP

ClinVar aggregate classification (germline): Conflicting classifications of pathogenicity. Review status: criteria provided, conflicting classifications (1 of 4 stars). 3 submissions from 3 submitters: Uncertain significance (2); Likely benign (1). Last evaluated 2026-06-12.

Conditions:
Duchenne muscular dystrophy (DMD). Also called: MUSCULAR DYSTROPHY, PSEUDOHYPERTROPHIC PROGRESSIVE, DUCHENNE TYPE; Duchenne Muscular Dystrophy (DMD). Identifiers: Orphanet 98896, MedGen C0013264, MONDO:0010679, OMIM 310200.

Submissions (3):

Helix
Classification: Uncertain significance for Duchenne muscular dystrophy. Last evaluated: 2026-06-12. Review status: criteria provided, single submitter. Criteria: ACMG Guidelines, 2015. Collection method: clinical testing. Allele origin: germline. Inheritance: X-linked inheritance.
Comment: This variant (NM_004006.3:c.7006C>A p.Gln2336Lys) results in the substitution of glutamine with lysine at codon 2336 in the DMD protein. It is a rare variant that is absent from the large gnomAD population database (v4.1). To our knowledge, this variant has not been reported in individuals with DMD-related conditions in the published literature. In silico prediction from REVEL (PMID: 27666373) suggests that this variant may be benign. This variant is present in ClinVar (Accession: VCV001219133.9). In conclusion, since the available evidence is limited, the clinical significance of this variant is unclear at this time. Therefore, it is classified as a Variant of Uncertain Significance.

Labcorp Genetics (formerly Invitae), Labcorp
Classification: Uncertain significance for Duchenne muscular dystrophy. Last evaluated: 2025-02-27. Review status: criteria provided, single submitter. Criteria: Invitae Variant Classification Sherloc (09022015). Collection method: clinical testing. Allele origin: germline.
Comment: This sequence change replaces glutamine, which is neutral and polar, with lysine, which is basic and polar, at codon 2336 of the DMD protein (p.Gln2336Lys). This variant is not present in population databases (gnomAD no frequency). This variant has not been reported in the literature in individuals affected with DMD-related conditions. ClinVar contains an entry for this variant (Variation ID: 1219133). Invitae Evidence Modeling of protein sequence and biophysical properties (such as structural, functional, and spatial information, amino acid conservation, physicochemical variation, residue mobility, and thermodynamic stability) indicates that this missense variant is not expected to disrupt DMD protein function with a negative predictive value of 95%. In summary, the available evidence is currently insufficient to determine the role of this variant in disease. Therefore, it has been classified as a Variant of Uncertain Significance.

GeneDx
Classification: Likely benign. Last evaluated: 2020-09-16. Review status: criteria provided, single submitter. Criteria: GeneDx Variant Classification Process June 2021. Collection method: clinical testing. Allele origin: germline. Affected: yes.
Comment: Not observed in large population cohorts (Lek et al., 2016)